The following is an entry in ClinVar:

ClinVar aggregate classification (germline): Uncertain significance (1 of 4 stars; one submission).

Conditions:
Intellectual developmental disorder 61. Also called: INTELLECTUAL DEVELOPMENTAL DISORDER, AUTOSOMAL DOMINANT 61; MENTAL RETARDATION, AUTOSOMAL DOMINANT 61. Identifiers: MedGen C5231400, MONDO:0032485, OMIM 618009.

Allele frequency attached by ClinVar (database versions not stated): gnomAD exomes below 0.00001.
gnomAD v4.1: 1 of 1,613,766 alleles (0.000062%); highest among the groups gnomAD compares: Non-Finnish European, 0.000085%; no homozygotes.

Submission:

Baylor Genetics
Classification: Uncertain significance for Intellectual developmental disorder 61. Last evaluated: 2020-07-27. Review status: criteria provided, single submitter. Criteria: ACMG Guidelines, 2015. Collection method: clinical testing. Allele origin: unknown. Affected: yes.
Comment: This variant was determined to be of uncertain significance according to ACMG Guidelines, 2015 [PMID:25741868].

NM_005121.3(MED13):c.2126T>C (p.Phe709Ser)

Gene: MED13 (mediator complex subunit 13; minus strand). Cytogenetic location: 17q23.2.
Variant type: single nucleotide variant.
Coding change: c.2126T>C on transcript NM_005121.3 (MANE Select); coding-DNA position 2126, T replaced by C.
Protein change: p.Phe709Ser; replaces phenylalanine 709 with serine.
Molecular consequence: missense variant.
Genome position (GRCh38, 1-based): chr17:61,995,207, A>G on the plus strand (T>C on the coding strand, the complement: MED13 is on the minus strand). VCF-style: chr17-61995207-A-G. GRCh37 (hg19) VCF-style: chr17-60072568-A-G.
Other names: short protein forms F709S.
Identifiers: ClinVar variation 1028861 (VCV001028861.1), dbSNP rs2080337191, ClinGen allele CA400515561.
Genomic context (GRCh38, chr17:61,995,207, plus strand): 5'-CTTACCTTGTGTTTTTTTCCAGCTTCTCTCTCACTATTTTGTCTATCTTTTTTATCAGGA[A>G]AAAGGAATTCCTCATCTCCTTCAACAAATGCATATGGATCAATTTTAGGTTCTTGTTCTG-3'
Protein context (NP_005112.2, residues 699-719): AFVEGDEEFL[Phe709Ser]PDKKDRQNSE